The following is an entry in ClinVar:

ClinVar aggregate classification (germline): Likely benign. Review status: criteria provided, single submitter (1 of 4 stars). 2 submissions from 2 submitters: Likely benign (1). 1 of the submissions does not count toward it. Last evaluated 2022-08-22.

Conditions:
Intellectual disability, CASK-related, X-linked. Identifiers: MedGen CN043158.
CASK-related disorder. Also called: CASK-related disorders; CASK-related condition.

Allele frequency attached by ClinVar (database versions not stated): gnomAD exomes 0.00001.

Submissions (2):

Labcorp Genetics (formerly Invitae), Labcorp
Classification: Likely benign for Intellectual disability, CASK-related, X-linked. Last evaluated: 2022-08-22. Review status: criteria provided, single submitter. Criteria: Invitae Variant Classification Sherloc (09022015). Collection method: clinical testing. Allele origin: germline.

PreventionGenetics, part of Exact Sciences
Classification: Likely benign for CASK-related condition. Last evaluated: 2021-02-02. Review status: no assertion criteria provided. Collection method: clinical testing. Allele origin: germline. Not counted in ClinVar's aggregate classification.
Comment: This variant is classified as likely benign based on ACMG/AMP sequence variant interpretation guidelines (Richards et al. 2015 PMID: 25741868, with internal and published modifications).

NM_001367721.1(CASK):c.1669-5T>C

Gene: CASK (calcium/calmodulin dependent serine protein kinase; minus strand). Cytogenetic location: Xp11.4.
Variant type: single nucleotide variant.
Coding change: c.1669-5T>C on transcript NM_001367721.1 (MANE Select); 5 bases into the intron before coding-DNA position 1669, T replaced by C.
Molecular consequence: intron variant.
Genome position (GRCh38, 1-based): chrX:41,559,852, A>G on the plus strand (T>C on the coding strand, the complement: CASK is on the minus strand). VCF-style: chrX-41559852-A-G. GRCh37 (hg19) VCF-style: chrX-41419105-A-G.
Other names: c.1651-5T>C (NM_001126055.3, NM_001410745.1); c.1669-5T>C (NM_001126054.3, NM_003688.4, NM_003688.3).
Identifiers: ClinVar variation 1086270 (VCV001086270.17), dbSNP rs187065810, ClinGen allele CA641573680.